The following is an entry in ClinVar:

NM_000091.5(COL4A3):c.4199G>A (p.Gly1400Glu)

Genes: MFF-DT (MFF divergent transcript; minus strand), COL4A3 (collagen type IV alpha 3 chain; plus strand). Cytogenetic location: 2q36.3.
Variant type: single nucleotide variant.
Coding change: c.4199G>A on transcript NM_000091.5 (MANE Select); coding-DNA position 4199, G replaced by A.
Protein change: p.Gly1400Glu; replaces glycine 1400 with glutamic acid.
Molecular consequence: missense variant.
Genome position (GRCh38, 1-based): chr2:227,305,030, G>A. VCF-style: chr2-227305030-G-A. GRCh37 (hg19) VCF-style: chr2-228169746-G-A.
Other names: short protein forms G1400E.
Identifiers: ClinVar variation 3256639 (VCV003256639.2).
Genomic context (GRCh38, chr2:227,305,030, plus strand): 5'-TTGGTTTTTGCCTAGGACCCTGTGGGCCAAGAGGTAAGCCAGGCAAGGATGGAAAACCAG[G>A]AACTCCTGGACCAGCTGGAGAAAAAGGCAACAAAGGTTCTAAAGGAGAGCCAGGTAAACC-3'
Protein context (NP_000082.2, residues 1390-1410): RGKPGKDGKP[Gly1400Glu]TPGPAGEKGN

ClinVar aggregate classification (germline): Conflicting classifications of pathogenicity. Review status: criteria provided, conflicting classifications (1 of 4 stars). 2 submissions from 2 submitters: Likely pathogenic (1); Uncertain significance (1). Last evaluated 2024-05-21.

Conditions:
Autosomal dominant Alport syndrome (ATS3A). Also called: Alport syndrome dominant type; Renal failure and sensorineural hearing loss; ALPORT SYNDROME 3A, AUTOSOMAL DOMINANT. Identifiers: Orphanet 63, Orphanet 88918, MedGen C5882663, MONDO:0007086, OMIM 104200.

gnomAD v4.1: 15 of 1,613,988 alleles (0.00093%); highest among the groups gnomAD compares: South Asian, 0.016%; no homozygotes.

Submissions (2):

MVZ Medizinische Genetik Mainz
Classification: Likely pathogenic for Autosomal dominant Alport syndrome. Last evaluated: 2024-05-21. Review status: criteria provided, single submitter. Criteria: UK Practice Guidelines For Variant Classification V4 01 2020. Collection method: clinical testing. Allele origin: germline. Inheritance: Autosomal dominant inheritance. Affected: yes. Observed: 1 variant allele.
Comment: ACMG Criteria: PM1_STR,PM2_SUP,PP3,PP4

Department of Nephrology, Rheumatology and Immunology, Shanghai Children's Hospital
Classification: Uncertain significance for Autosomal dominant Alport syndrome. Last evaluated: 2021-07-09. Review status: criteria provided, single submitter. Criteria: ACMG Guidelines, 2015. Collection method: clinical testing. Allele origin: paternal. Affected: yes. Observed: 1 variant allele.
Comment: The NM_000091.5(COL4A3):c.4199G>A (p.Gly1400Glu) is a missense variant located in a Gly-X-Y repeat of the collagenous domain of COL4A3. This variant is reported to have an extremely low frequency in the gnomAD v3.1.2 (GRCh38) population database (PM2). Computational tools, including SIFT and PolyPhen, predict this variant to have a deleterious effect on the protein product (PP3). In summary, this variant meets criteria to be classified as Uncertain Significance for Alport syndrome based on the ACMG/AMP 2015 criteria applied: PM2, PP1, PP3, PP4.